The following is an entry in ClinVar:

ClinVar aggregate classification (germline): Likely pathogenic (0 of 4 stars; one submission).

Conditions:
Pyruvate dehydrogenase E1-alpha deficiency (PDHAD). Also called: ATAXIA, INTERMITTENT, WITH PYRUVATE DEHYDROGENASE DEFICIENCY; ATAXIA WITH LACTIC ACIDOSIS I; ATAXIA, INTERMITTENT, WITH ABNORMAL PYRUVATE METABOLISM; Ataxia, intermittent, with pyruvate dehydrogenase, or decarboxylase, deficiency. Identifiers: Orphanet 79243, MedGen C1839413, MONDO:0010717, OMIM 312170.

Submission:

PDHA1 Study Group, University Children’s Hospital, Paracelsus Medical University
Classification: Likely pathogenic for Pyruvate dehydrogenase E1-alpha deficiency. Last evaluated: 2024-10-15. Review status: no assertion criteria provided. Collection method: research. Allele origin: germline. Affected: yes. Observed: 1 variant allele.
Comment: The NM_000284.3:c.845_846insTCT (p.Met282delinsIleLeu) change is a deletion-insertion (delins) variant in PDHA1 gene. These include . The variant has been reported in 1 published case (PMIDs: 35094435). Last literature search: July 12, 2024. This variant is absent or extremely rare in population-based cohorts in the Genome Aggregation Database (gnomAD). Individuals harboring this variant presented with clinical features compatible with PDHA1-related PDHc deficiency. In summary, this variant meets criteria to be classified as likely pathogenic (LP) for PDHA1-related PDHc deficiency based on the ACMG/AMP criteria applied: PM1, PM2, PM4 (last assessment October 15, 2024).

Literature cited by the submitters: PubMed 35094435; DOI 10.1093/brain/awaf430.

NM_000284.4(PDHA1):c.845_846insTCT (p.Met282delinsIleLeu)

Gene: PDHA1 (pyruvate dehydrogenase E1 subunit alpha 1; plus strand). Cytogenetic location: Xp22.12.
Variant type: Insertion.
Coding change: c.845_846insTCT on transcript NM_000284.4 (MANE Select); coding-DNA positions 845 to 846, TCT inserted.
Protein change: p.Met282delinsIleLeu.
Molecular consequence: inframe indel.
Genome position: GRCh38 VCF-style: chrX-19357664-A-ATTC. GRCh37 (hg19) VCF-style: chrX-19375782-A-ATTC.
Other names: c.959_960insTCT, p.Met320delinsIleLeu (NM_001173454.2); c.866_867insTCT, p.Met289delinsIleLeu (NM_001173455.2); c.752_753insTCT, p.Met251delinsIleLeu (NM_001173456.2).
Identifiers: ClinVar variation 4070374 (VCV004070374.1).